The following is an entry in ClinVar:

ClinVar aggregate classification (germline): Conflicting classifications of pathogenicity. Review status: criteria provided, conflicting classifications (1 of 4 stars). 2 submissions from 2 submitters: Uncertain significance (1); Likely benign (1). Last evaluated 2025-09-10.

Allele frequency attached by ClinVar (database versions not stated): ExAC 0.00004; gnomAD exomes 0.00004; TOPMed 0.00002; gnomAD 0.00003.
gnomAD v4.1: 62 of 1,528,606 alleles (0.0041%); highest among the groups gnomAD compares: Non-Finnish European, 0.0055%; no homozygotes.

Submissions (2):

Ambry Genetics
Classification: Uncertain significance. Last evaluated: 2025-09-10. Review status: criteria provided, single submitter. Criteria: Ambry Variant Classification Scheme 2023. Collection method: clinical testing. Allele origin: germline.

CeGaT Center for Human Genetics Tuebingen
Classification: Likely benign. Last evaluated: 2022-12-01. Review status: criteria provided, single submitter. Criteria: CeGaT Center For Human Genetics Tuebingen Variant Classification Criteria Version 2. Collection method: clinical testing. Allele origin: germline. Affected: yes. Observed: 2 variant alleles.
Comment: FAM149B1: BP4

NM_173348.2(FAM149B1):c.1028G>C (p.Ser343Thr)

Gene: FAM149B1 (family with sequence similarity 149 member B1; plus strand). Cytogenetic location: 10q22.2.
Variant type: single nucleotide variant.
Coding change: c.1028G>C on transcript NM_173348.2 (MANE Select); coding-DNA position 1028, G replaced by C.
Protein change: p.Ser343Thr; replaces serine 343 with threonine.
Molecular consequence: missense variant.
Genome position (GRCh38, 1-based): chr10:73,230,426, G>C. VCF-style: chr10-73230426-G-C. GRCh37 (hg19) VCF-style: chr10-74990184-G-C.
Other names: c.1028G>C (NM_173348.1); short protein forms S343T.
Identifiers: ClinVar variation 2640586 (VCV002640586.25), dbSNP rs770670664, ClinGen allele CA5552900.
Genomic context (GRCh38, chr10:73,230,426, plus strand): 5'-ACCAAACAGGTATCTTCTCCAACCGATCAAGAGTACTGTCTTCTTTCAACACGTAGATGA[G>C]TCTCTGTCAAGCAAGCAGACATCAGCCAAATGTGAATGATCTCTTGGTTCATGGAATGCC-3'
Protein context (NP_775483.1, residues 333-353): KVLYITSNPM[Ser343Thr]LCQASRHQPN